The following is an entry in ClinVar:

NM_001277062.2(MFF):c.660-232C>T

Gene: MFF (mitochondrial fission factor; plus strand). Cytogenetic location: 2q36.3.
Variant type: single nucleotide variant.
Coding change: c.660-232C>T on transcript NM_001277062.2 (MANE Select); 232 bases into the intron before coding-DNA position 660, C replaced by T.
Molecular consequence: intron variant.
Genome position (GRCh38, 1-based): chr2:227,355,445, C>T. VCF-style: chr2-227355445-C-T. GRCh37 (hg19) VCF-style: chr2-228220161-C-T.
Other names: c.813-232C>T (NM_001277061.2, NM_020194.5); c.516-232C>T (NM_001277063.2); c.501-232C>T (NM_001277064.2); c.441-232C>T (NM_001277065.2, NM_001277066.2); c.450-232C>T (NM_001277067.1); c.543-232C>T (NM_001277068.1).
Identifiers: ClinVar variation 669501 (VCV000669501.2), dbSNP rs58426936, ClinGen allele CA11216808.

ClinVar aggregate classification (germline): Benign. Review status: criteria provided, multiple submitters, no conflicts (2 of 4 stars). 2 submissions from 2 submitters: Benign (2). Last evaluated 2018-06-14.

Allele frequency attached by ClinVar (database versions not stated): gnomAD exomes 0.19653; 1000 Genomes Project 0.26737; 1000 Genomes Project 30x 0.27092; gnomAD 0.27710 and 0.28389; TOPMed 0.27826.

Submissions (2):

GeneDx
Classification: Benign. Last evaluated: 2018-06-14. Review status: criteria provided, single submitter. Criteria: GeneDx Variant Classification (06012015). Collection method: clinical testing. Allele origin: germline. Affected: yes.
Comment: This variant is considered likely benign or benign based on one or more of the following criteria: it is a conservative change, it occurs at a poorly conserved position in the protein, it is predicted to be benign by multiple in silico algorithms, and/or has population frequency not consistent with disease.

Breakthrough Genomics
Classification: Benign. Review status: criteria provided, single submitter. Criteria: ACMG Guidelines, 2015. Collection method: not provided. Allele origin: germline. Inheritance: Autosomal recessive inheritance. Affected: yes.